The following is an entry in ClinVar:

NM_001447.3(FAT2):c.10054del (p.Pro3351_Leu3352insTer)

Genes: FAT2 (FAT atypical cadherin 2; minus strand), SLC36A1 (solute carrier family 36 member 1; plus strand). Cytogenetic location: 5q33.1.
Variant type: Deletion.
Coding change: c.10054del on transcript NM_001447.3 (MANE Select); coding-DNA position 10054, one base deleted (C; older notation c.10054delC).
Protein change: p.Pro3351_Leu3352insTer.
Molecular consequence: nonsense.
Genome position (GRCh38, 1-based): chr5:151,528,106, G deleted on the plus strand (C on the coding strand, the reverse complement: FAT2 is on the minus strand); the first of 4 consecutive G bases (chr5:151,528,106-151,528,109); deleting any one gives the same sequence. VCF-style (leftmost placement, unchanged base first): chr5-151528105-AG-A. GRCh37 (hg19) VCF-style: chr5-150907666-AG-A.
Identifiers: ClinVar variation 2627202 (VCV002627202.2), dbSNP rs1289707732, ClinGen allele CA563616095.

ClinVar aggregate classification (germline): Uncertain significance. Review status: criteria provided, multiple submitters, no conflicts (2 of 4 stars). 2 submissions from 2 submitters: Uncertain significance (2). Last evaluated 2023-09-12.

Submissions (2):

Women's Health and Genetics/Laboratory Corporation of America, LabCorp
Classification: Uncertain significance. Last evaluated: 2023-09-12. Review status: criteria provided, single submitter. Criteria: LabCorp Variant Classification Summary - May 2015. Collection method: clinical testing. Allele origin: germline.
Comment: Variant summary: FAT2 c.10054delC (p.Leu3352X) results in a premature termination codon, predicted to cause a truncation of the encoded protein or absence of the protein due to nonsense mediated decay; however, loss of function of the FAT2 gene has not been established as a molecular mechanism of disease. The variant allele was found at a frequency of 4e-06 in 250998 control chromosomes. The available data on variant occurrences in the general population are insufficient to allow any conclusion about variant significance. To our knowledge, no occurrence of c.10054delC in individuals affected with Spinocerebellar Ataxia 45 and no experimental evidence demonstrating its impact on protein function have been reported. No submitters have cited clinical-significance assessments for this variant to ClinVar after 2014. Based on the evidence outlined above, the variant was classified as uncertain significance.

Blueprint Genetics
Classification: Uncertain significance. Last evaluated: 2021-12-13. Review status: criteria provided, single submitter. Criteria: ACMG Guidelines, 2015. Collection method: clinical testing. Allele origin: germline.